The following is an entry in ClinVar:

ClinVar aggregate classification (germline): Pathogenic (1 of 4 stars; one submission).

Conditions:
Bardet-Biedl syndrome (BBS). Identifiers: Orphanet 110, MedGen C0752166, MONDO:0015229.

Submission:

Labcorp Genetics (formerly Invitae), Labcorp
Classification: Pathogenic for Bardet-Biedl syndrome. Last evaluated: 2025-09-02. Review status: criteria provided, single submitter. Criteria: Invitae Variant Classification Sherloc (09022015). Collection method: clinical testing. Allele origin: germline.
Comment: This sequence change creates a premature translational stop signal (p.Cys103*) in the TRIM32 gene. While this is not anticipated to result in nonsense mediated decay, it is expected to disrupt the last 551 amino acid(s) of the TRIM32 protein. Information on the frequency of this variant in the gnomAD database is not available, as this variant may be reported differently in the database. This variant has not been reported in the literature in individuals affected with TRIM32-related conditions. ClinVar contains an entry for this variant (Variation ID: 3624659). This variant disrupts a region of the TRIM32 protein in which other variant(s) (p.Val591Met) have been determined to be pathogenic (PMID: 30823891). This suggests that this is a clinically significant region of the protein, and that variants that disrupt it are likely to be disease-causing. For these reasons, this variant has been classified as Pathogenic.

Literature cited by the submitters: PubMed 30823891.

NM_012210.4(TRIM32):c.308_309delinsAG (p.Cys103Ter)

Genes: ASTN2 (astrotactin 2; minus strand), TRIM32 (tripartite motif containing 32; plus strand). Cytogenetic location: 9q33.1.
Variant type: Indel.
Coding change: c.308_309delinsAG on transcript NM_012210.4 (MANE Select); coding-DNA positions 308 to 309, GT replaced by AG.
Protein change: p.Cys103Ter; replaces cysteine 103 with a stop codon.
Molecular consequence: nonsense. On other transcripts: intron variant (3).
Genome position (GRCh38, 1-based): chr9:116,698,050-116,698,051, GT replaced by AG. VCF-style: chr9-116698050-GT-AG. GRCh37 (hg19) VCF-style: chr9-119460329-GT-AG.
Other names: c.308_309delinsAG, p.Cys103Ter (NM_001099679.2, NM_001379048.1, NM_001379049.1 and 1 more transcripts); c.2653+27720_2653+27721delinsCT (NM_014010.5); c.2794+27720_2794+27721delinsCT (NM_001365069.1); c.2806+27720_2806+27721delinsCT (NM_001365068.1); short protein forms C103*.
Identifiers: ClinVar variation 3624659 (VCV003624659.2).